The following is an entry in ClinVar:

ClinVar aggregate classification (germline): Uncertain significance (1 of 4 stars; one submission).

Allele frequency attached by ClinVar (database versions not stated): TOPMed below 0.00001; ExAC 0.00001; gnomAD 0.00001.
gnomAD v4.1: 5 of 1,614,072 alleles (0.00031%); highest among the groups gnomAD compares: Admixed American, 0.0017%; no homozygotes.

Submission:

Labcorp Genetics (formerly Invitae), Labcorp
Classification: Uncertain significance. Last evaluated: 2023-02-24. Review status: criteria provided, single submitter. Criteria: Invitae Variant Classification Sherloc (09022015). Collection method: clinical testing. Allele origin: germline.
Comment: In summary, the available evidence is currently insufficient to determine the role of this variant in disease. Therefore, it has been classified as a Variant of Uncertain Significance. An algorithm developed to predict the effect of missense changes on protein structure and function (PolyPhen-2) suggests that this variant is likely to be tolerated. This variant has not been reported in the literature in individuals affected with GCLC-related conditions. This variant is present in population databases (rs765554330, gnomAD 0.0009%). This sequence change replaces glycine, which is neutral and non-polar, with valine, which is neutral and non-polar, at codon 502 of the GCLC protein (p.Gly502Val).

NM_001498.4(GCLC):c.1505G>T (p.Gly502Val)

Genes: GCLC (glutamate-cysteine ligase catalytic subunit; minus strand), GCLC-AS1 (GCLC antisense RNA 1; plus strand). Cytogenetic location: 6p12.1.
Variant type: single nucleotide variant.
Coding change: c.1505G>T on transcript NM_001498.4 (MANE Select); coding-DNA position 1505, G replaced by T.
Protein change: p.Gly502Val; replaces glycine 502 with valine.
Molecular consequence: missense variant.
Genome position (GRCh38, 1-based): chr6:53,500,323, C>A on the plus strand (G>T on the coding strand, the complement: GCLC is on the minus strand). VCF-style: chr6-53500323-C-A. GRCh37 (hg19) VCF-style: chr6-53365121-C-A.
Other names: c.1391G>T, p.Gly464Val (NM_001197115.2); short protein forms G464V, G502V.
Identifiers: ClinVar variation 2993959 (VCV002993959.3), dbSNP rs765554330, ClinGen allele CA3860045.